The following is an entry in ClinVar:

NM_174934.4(SCN4B):c.112G>C (p.Ala38Pro)

Gene: SCN4B (sodium voltage-gated channel beta subunit 4; minus strand). Cytogenetic location: 11q23.3.
Variant type: single nucleotide variant.
Coding change: c.112G>C on transcript NM_174934.4 (MANE Select); coding-DNA position 112, G replaced by C.
Protein change: p.Ala38Pro; replaces alanine 38 with proline.
Molecular consequence: missense variant. On other transcripts: 5 prime UTR variant (1), non-coding transcript variant (1), intron variant (1).
Genome position (GRCh38, 1-based): chr11:118,145,179, C>G on the plus strand (G>C on the coding strand, the complement: SCN4B is on the minus strand). VCF-style: chr11-118145179-C-G. GRCh37 (hg19) VCF-style: chr11-118015894-C-G.
Other names: c.-219G>C (NM_001142349.2); c.62-3843G>C (NM_001142348.2); short protein forms A38P.
Identifiers: ClinVar variation 191497 (VCV000191497.13), dbSNP rs777894412, ClinGen allele CA236795.
Genomic context (GRCh38, chr11:118,145,179, plus strand): 5'-AGCTGGAGAAGGTGCAGGGCAGCAGGATCTCCGTGCCATTGACAGCGTAGATGTCGGTGG[C>G]CTTTCCCACAGACACCTCCAGCGACAGGGTTACGGGGAGCAGGAAGAGGCCTGTGTAAGG-3'
Protein context (NP_777594.1, residues 28-48): TLSLEVSVGK[Ala38Pro]TDIYAVNGTE

ClinVar aggregate classification (germline): Conflicting classifications of pathogenicity. Review status: criteria provided, conflicting classifications (1 of 4 stars). 3 submissions from 3 submitters: Uncertain significance (1); Benign (1); Likely benign (1). Last evaluated 2025-09-10.

Conditions:
Cardiovascular phenotype. Identifiers: MedGen CN230736.
Long QT syndrome 10 (LQT10). Identifiers: Orphanet 101016, Orphanet 768, MedGen C2678484, MONDO:0012737, OMIM 611819.

Allele frequency attached by ClinVar (database versions not stated): 1000 Genomes Project 30x 0.00141.
gnomAD v4.1: 285 of 1,598,100 alleles (0.018%); highest among the groups gnomAD compares: South Asian, 0.31%; 1 homozygote.

Submissions (3):

Labcorp Genetics (formerly Invitae), Labcorp
Classification: Likely benign for Long QT syndrome 10. Last evaluated: 2025-09-10. Review status: criteria provided, single submitter. Criteria: Invitae Variant Classification Sherloc (09022015). Collection method: clinical testing. Allele origin: germline.

Ambry Genetics
Classification: Benign for Cardiovascular phenotype. Last evaluated: 2023-07-11. Review status: criteria provided, single submitter. Criteria: Ambry Variant Classification Scheme 2023. Collection method: clinical testing. Allele origin: germline.

Biesecker Lab/Clinical Genomics Section, National Institutes of Health
Classification: Uncertain significance. Last evaluated: 2013-06-24. Review status: criteria provided, single submitter. Criteria: Ng et al. (Circ Cardiovasc Genet. 2013). Collection method: research. Allele origin: unknown. Observed: 1 variant allele. Study: ClinSeq.
Comment: The study set was not selected for affection status in relation to any cancer. Pathogenicity categories were based on literature curation. See Pubmed ID:23861362 for details.

Medical sequencing